The following is an entry in ClinVar:

NM_001330078.2(NRXN1):c.83G>C (p.Gly28Ala)

Gene: NRXN1 (neurexin 1; minus strand). Cytogenetic location: 2p16.3.
Variant type: single nucleotide variant.
Coding change: c.83G>C on transcript NM_001330078.2 (MANE Select); coding-DNA position 83, G replaced by C.
Protein change: p.Gly28Ala; replaces glycine 28 with alanine.
Molecular consequence: missense variant.
Genome position (GRCh38, 1-based): chr2:51,028,191, C>G on the plus strand (G>C on the coding strand, the complement: NRXN1 is on the minus strand). VCF-style: chr2-51028191-C-G. GRCh37 (hg19) VCF-style: chr2-51255329-C-G.
Other names: c.83G>C, p.Gly28Ala (NM_001135659.3, NM_001330077.2, NM_001330079.2 and 15 more transcripts); short protein forms G28A.
Identifiers: ClinVar variation 1020279 (VCV001020279.8), dbSNP rs199598542, ClinGen allele CA1655563.

ClinVar aggregate classification (germline): Uncertain significance (1 of 4 stars; one submission).

Conditions:
Pitt-Hopkins-like syndrome 2 (PTHSL2). Identifiers: Orphanet 221150, Orphanet 600663, MedGen C3280479, MONDO:0013690, OMIM 614325.

Allele frequency attached by ClinVar (database versions not stated): ExAC below 0.00001; gnomAD exomes 0.00001; TOPMed 0.00002; gnomAD 0.00003 and 0.00004.
gnomAD v4.1: 69 of 1,493,354 alleles (0.0046%); highest among the groups gnomAD compares: Non-Finnish European, 0.0059%; no homozygotes.

Submission:

Labcorp Genetics (formerly Invitae), Labcorp
Classification: Uncertain significance for Pitt-Hopkins-like syndrome 2. Last evaluated: 2026-01-09. Review status: criteria provided, single submitter. Criteria: Invitae Variant Classification Sherloc (09022015). Collection method: clinical testing. Allele origin: germline.
Comment: This sequence change replaces glycine, which is neutral and non-polar, with alanine, which is neutral and non-polar, at codon 28 of the NRXN1 protein (p.Gly28Ala). This variant is present in population databases (rs199598542, gnomAD 0.006%). This missense change has been observed in individual(s) with autism spectrum disorder (PMID: 18490107, 22405623). ClinVar contains an entry for this variant (Variation ID: 1020279). An algorithm developed to predict the effect of missense changes on protein structure and function (PolyPhen-2) suggests that this variant is likely to be tolerated. In summary, the available evidence is currently insufficient to determine the role of this variant in disease. Therefore, it has been classified as a Variant of Uncertain Significance.

Literature cited by the submitters: PubMed 18490107; PubMed 22405623.